The following is an entry in ClinVar:

NM_000051.4(ATM):c.3577-13T>C

Gene: ATM (ATM serine/threonine kinase; plus strand). Cytogenetic location: 11q22.3.
Variant type: single nucleotide variant.
Coding change: c.3577-13T>C on transcript NM_000051.4 (MANE Select); 13 bases into the intron before coding-DNA position 3577, T replaced by C.
Molecular consequence: intron variant.
Genome position (GRCh38, 1-based): chr11:108,282,697, T>C. VCF-style: chr11-108282697-T-C. GRCh37 (hg19) VCF-style: chr11-108153424-T-C.
Other names: c.3577-13T>C (NM_001351834.2).
Identifiers: ClinVar variation 136443 (VCV000136443.17), dbSNP rs587780856, ClinGen allele CA289564.

ClinVar aggregate classification (germline): Benign/Likely benign. Review status: criteria provided, multiple submitters, no conflicts (2 of 4 stars). 7 submissions from 7 submitters: Benign (2); Likely benign (3). 2 of the submissions do not count toward it. Last evaluated 2026-01-31.

Conditions:
Hereditary cancer-predisposing syndrome. Also called: Tumor predisposition; Hereditary neoplastic syndrome; Neoplastic Syndromes, Hereditary; Hereditary Cancer Syndrome. Identifiers: Orphanet 140162, MedGen C0027672, MeSH D009386, MONDO:0015356.
Familial cancer of breast. Also called: hereditary breast carcinoma; Hereditary breast cancer; BREAST CANCER, FAMILIAL. Identifiers: Orphanet 227535, MedGen C0346153, MONDO:0016419, OMIM 114480. Disease mechanism: loss of function.
Ataxia-telangiectasia syndrome (AT). Also called: Cerebello-oculocutaneous telangiectasia; Immunodeficiency with ataxia telangiectasia; ATAXIA-TELANGIECTASIA, COMPLEMENTATION GROUP A; ATAXIA-TELANGIECTASIA, FRESNO VARIANT; Ataxia-telangiectasia; Ataxia-telangiectasia, complementation group D. Identifiers: Orphanet 100, MedGen C0004135, MONDO:0008840, OMIM 208900.

Allele frequency attached by ClinVar (database versions not stated): ExAC 0.00003; gnomAD exomes 0.00004; TOPMed 0.00004; gnomAD 0.00005 and 0.00006.
gnomAD v4.1: 59 of 1,611,792 alleles (0.0037%); highest among the groups gnomAD compares: Middle Eastern, 0.016%; no homozygotes.

Submissions (7):

Labcorp Genetics (formerly Invitae), Labcorp
Classification: Likely benign for Ataxia-telangiectasia syndrome. Last evaluated: 2026-01-31. Review status: criteria provided, single submitter. Criteria: Invitae Variant Classification Sherloc (09022015). Collection method: clinical testing. Allele origin: germline.

Blueprint Genetics
Classification: Likely benign. Last evaluated: 2024-10-11. Review status: criteria provided, single submitter. Criteria: ACMG Guidelines, 2015. Collection method: clinical testing. Allele origin: germline.

Myriad Genetics, Inc.
Classification: Benign for Familial cancer of breast. Last evaluated: 2024-05-15. Review status: criteria provided, single submitter. Criteria: Myriad Autosomal Dominant, Autosomal Recessive and X-Linked Classification Criteria (2023). Collection method: clinical testing. Allele origin: unknown.
Comment: This variant is considered benign. This variant is intronic and is not expected to impact mRNA splicing. This variant is strongly associated with less severe personal and family histories of cancer, typical for individuals without pathogenic variants in this gene [PMID: 25085752].

Color Diagnostics, LLC DBA Color Health
Classification: Likely benign for Hereditary cancer-predisposing syndrome. Last evaluated: 2015-04-25. Review status: criteria provided, single submitter. Criteria: ACMG Guidelines, 2015. Collection method: clinical testing. Allele origin: germline.

GeneDx
Classification: Benign. Last evaluated: 2014-04-23. Review status: criteria provided, single submitter. Criteria: GeneDx Variant Classification (06012015). Collection method: clinical testing. Allele origin: germline. Affected: yes.
Comment: This variant is considered likely benign or benign based on one or more of the following criteria: it is a conservative change, it occurs at a poorly conserved position in the protein, it is predicted to be benign by multiple in silico algorithms, and/or has population frequency not consistent with disease.

Genome Diagnostics Laboratory, University Medical Center Utrecht
Classification: Uncertain significance. Review status: no assertion criteria provided. Collection method: clinical testing. Allele origin: germline. Affected: yes. Study: VKGL Data-share Consensus. Not counted in ClinVar's aggregate classification.

Laboratory of Diagnostic Genome Analysis, Leiden University Medical Center (LUMC)
Classification: Uncertain significance. Review status: no assertion criteria provided. Collection method: clinical testing. Allele origin: germline. Affected: yes. Study: VKGL Data-share Consensus. Not counted in ClinVar's aggregate classification.

Literature cited by the submitters: PubMed 25085752 (cited by Myriad Genetics, Inc.).